The following is an entry in ClinVar:

NM_001684.5(ATP2B4):c.136G>A (p.Val46Ile)

Gene: ATP2B4 (ATPase plasma membrane Ca2+ transporting 4; plus strand). Cytogenetic location: 1q32.1.
Variant type: single nucleotide variant.
Coding change: c.136G>A on transcript NM_001684.5 (MANE Select); coding-DNA position 136, G replaced by A.
Protein change: p.Val46Ile; replaces valine 46 with isoleucine.
Molecular consequence: missense variant.
Genome position (GRCh38, 1-based): chr1:203,683,341, G>A. VCF-style: chr1-203683341-G-A. GRCh37 (hg19) VCF-style: chr1-203652469-G-A.
Other names: c.136G>A, p.Val46Ile (NM_001001396.3, NM_001365783.2, NM_001365784.2); short protein forms V46I.
Identifiers: ClinVar variation 1584699 (VCV001584699.34), dbSNP rs61731222, ClinGen allele CA1341307.

ClinVar aggregate classification (germline): Benign/Likely benign. Review status: criteria provided, multiple submitters, no conflicts (2 of 4 stars). 3 submissions from 3 submitters: Benign (2); Likely benign (1). Last evaluated 2026-01-05.

Allele frequency attached by ClinVar (database versions not stated): ESP Exome Variant Server 0.00223; 1000 Genomes Project 30x 0.00234; TOPMed 0.00237; 1000 Genomes Project 0.00240; gnomAD 0.00302 and 0.00305; ExAC 0.00321; gnomAD exomes 0.00340 and 0.00342.
gnomAD v4.1: 5,424 of 1,614,194 alleles (0.34%); highest among the groups gnomAD compares: South Asian, 0.5%; 20 homozygotes.

Submissions (3):

Labcorp Genetics (formerly Invitae), Labcorp
Classification: Benign. Last evaluated: 2026-01-05. Review status: criteria provided, single submitter. Criteria: Invitae Variant Classification Sherloc (09022015). Collection method: clinical testing. Allele origin: germline.

CeGaT Center for Human Genetics Tuebingen
Classification: Likely benign. Last evaluated: 2024-05-01. Review status: criteria provided, single submitter. Criteria: CeGaT Center For Human Genetics Tuebingen Variant Classification Criteria Version 2. Collection method: clinical testing. Allele origin: germline. Affected: yes. Observed: 4 variant alleles.
Comment: ATP2B4: BP4, BS2

Breakthrough Genomics
Classification: Benign. Review status: criteria provided, single submitter. Criteria: ACMG Guidelines, 2015. Collection method: not provided. Allele origin: germline. Inheritance: Unknown mechanism. Affected: yes.